The following is an entry in ClinVar:

NM_183374.3(CYP26C1):c.407A>G (p.Glu136Gly)

Gene: CYP26C1 (cytochrome P450 family 26 subfamily C member 1; plus strand). Cytogenetic location: 10q23.33.
Variant type: single nucleotide variant.
Coding change: c.407A>G on transcript NM_183374.3 (MANE Select); coding-DNA position 407, A replaced by G.
Protein change: p.Glu136Gly; replaces glutamic acid 136 with glycine.
Molecular consequence: missense variant.
Genome position (GRCh38, 1-based): chr10:93,062,212, A>G. VCF-style: chr10-93062212-A-G. GRCh37 (hg19) VCF-style: chr10-94821969-A-G.
Other names: short protein forms E136G.
Identifiers: ClinVar variation 2219206 (VCV002219206.4), dbSNP rs930331037, ClinGen allele CA211495947.

ClinVar aggregate classification (germline): Uncertain significance. Review status: criteria provided, multiple submitters, no conflicts (2 of 4 stars). 2 submissions from 2 submitters: Uncertain significance (2). Last evaluated 2025-03-08.

Allele frequency attached by ClinVar (database versions not stated): gnomAD exomes 0.00001; gnomAD 0.00009; TOPMed 0.00014.
gnomAD v4.1: 22 of 1,525,232 alleles (0.0014%); highest among the groups gnomAD compares: African/African-American, 0.03%; no homozygotes.

Submissions (2):

Ambry Genetics
Classification: Uncertain significance. Last evaluated: 2025-03-08. Review status: criteria provided, single submitter. Criteria: Ambry Variant Classification Scheme 2023. Collection method: clinical testing. Allele origin: germline.

GeneDx
Classification: Uncertain significance. Last evaluated: 2024-06-27. Review status: criteria provided, single submitter. Criteria: GeneDx Variant Classification Process June 2021. Collection method: clinical testing. Allele origin: germline. Affected: yes.
Comment: In silico analysis supports that this missense variant has a deleterious effect on protein structure/function; Has not been previously published as pathogenic or benign to our knowledge